The following is an entry in ClinVar:

NM_000053.4(ATP7B):c.1203_1204insAT (p.Leu402fs)

Gene: ATP7B (ATPase copper transporting beta; minus strand). Cytogenetic location: 13q14.3.
Variant type: Insertion.
Coding change: c.1203_1204insAT on transcript NM_000053.4 (MANE Select); coding-DNA positions 1203 to 1204, AT inserted.
Protein change: p.Leu402fs; shifts the reading frame from leucine 402.
Molecular consequence: frameshift variant.
Genome position: GRCh38 VCF-style: chr13-51974016-G-GAT. GRCh37 (hg19) VCF-style: chr13-52548152-G-GAT.
Other names: c.1203_1204insAT, p.Leu402fs (NM_001005918.3, NM_001406519.1, NM_001406520.1 and 29 more transcripts); c.870_871insAT, p.Leu291fs (NM_001243182.2); c.1107_1108insAT, p.Leu370fs (NM_001406518.1, NM_001406530.1, NM_001406536.1 and 3 more transcripts); c.774_775insAT, p.Leu259fs (NM_001406539.1); short protein forms L259fs, L291fs, L370fs, L402fs.
Identifiers: ClinVar variation 4685582 (VCV004685582.2).

ClinVar aggregate classification (germline): Pathogenic/Likely pathogenic. Review status: criteria provided, multiple submitters, no conflicts (2 of 4 stars). 2 submissions from 2 submitters: Pathogenic (1); Likely pathogenic (1). Last evaluated 2025-12-04.

Conditions:
Wilson disease (WND). Also called: Wilson's disease. Identifiers: Orphanet 905, MedGen C0019202, MONDO:0010200, OMIM 277900. Disease mechanism: loss of function.

Submissions (2):

Myriad Genetics, Inc.
Classification: Pathogenic for Wilson disease. Last evaluated: 2025-12-04. Review status: criteria provided, single submitter. Criteria: Myriad Autosomal Dominant, Autosomal Recessive and X-Linked Classification Criteria (2023). Collection method: clinical testing. Allele origin: unknown.
Comment: NM_000053.3(ATP7B):c.1203_1204insAT(L402Ifs*7) is expected to be pathogenic in the context of Wilson disease. This variant is predicted to lead to an abnormal or absent protein product due to the creation of a premature termination codon in ATP7B, a gene where loss-of-function variants are known to be pathogenic. Please note: this variant was assessed in the context of healthy population screening.

ARUP Laboratories, Molecular Genetics and Genomics, ARUP Laboratories
Classification: Likely pathogenic for Wilson disease. Last evaluated: 2024-12-09. Review status: criteria provided, single submitter. Criteria: ARUP Molecular Germline Variant Investigation Process 2024. Collection method: clinical testing. Allele origin: germline.
Comment: The ATP7B c.1203_1204insAT; p.Leu402IlefsTer7 variant to our knowledge, is not reported in the medical literature or gene specific databases. This variant is also absent from the Genome Aggregation Database(v2.1.1), indicating it is not a common polymorphism. This variant causes a frameshift by inserting 2 nucleotides, so it is predicted to result in a truncated protein or mRNA subject to nonsense-mediated decay. Additionally, several downstream truncating variants have been described in individuals with Wilson disease and are considered pathogenic (Panagiotakaki 2004, Park 2007). Based on available information, this variant is considered to be likely pathogenic. References: Panagiotakaki E et al. Genotype-phenotype correlations for a wide spectrum of mutations in the Wilson disease gene (ATP7B). Am J Med Genet A. 2004 Dec 1;131(2):168-73. PMID: 15523622. Park S et al. Identification of novel ATP7B gene mutations and their functional roles in Korean patients with Wilson disease. Hum Mutat. 2007 Nov;28(11):1108-13. PMID: 17587212.